The following is an entry in ClinVar:

ClinVar aggregate classification (germline): Uncertain significance. Review status: criteria provided, multiple submitters, no conflicts (2 of 4 stars). 2 submissions from 2 submitters: Uncertain significance (2). Last evaluated 2025-07-03.

Conditions:
Hereditary cancer-predisposing syndrome. Also called: Hereditary Cancer Syndrome; Hereditary neoplastic syndrome; Tumor predisposition; Neoplastic Syndromes, Hereditary. Identifiers: Orphanet 140162, MedGen C0027672, MeSH D009386, MONDO:0015356.
Cardiovascular phenotype. Identifiers: MedGen CN230736.

Submissions (2):

Ambry Genetics
Classification: Uncertain significance for Cardiovascular phenotype; Hereditary cancer-predisposing syndrome. Last evaluated: 2025-07-03. Review status: criteria provided, single submitter. Criteria: Ambry Variant Classification Scheme 2023. Collection method: clinical testing. Allele origin: germline.
Comment: The p.V768M variant (also known as c.2302G>A), located in coding exon 19 of the LZTR1 gene, results from a G to A substitution at nucleotide position 2302. The valine at codon 768 is replaced by methionine, an amino acid with highly similar properties. This amino acid position is highly conserved in available vertebrate species. In addition, this alteration is predicted to be deleterious by in silico analysis. Based on the available evidence, the clinical significance of this variant remains unclear.

Labcorp Genetics (formerly Invitae), Labcorp
Classification: Uncertain significance. Last evaluated: 2024-09-03. Review status: criteria provided, single submitter. Criteria: Invitae Variant Classification Sherloc (09022015). Collection method: clinical testing. Allele origin: germline.
Comment: This sequence change replaces valine, which is neutral and non-polar, with methionine, which is neutral and non-polar, at codon 768 of the LZTR1 protein (p.Val768Met). This variant is not present in population databases (gnomAD no frequency). This variant has not been reported in the literature in individuals affected with LZTR1-related conditions. ClinVar contains an entry for this variant (Variation ID: 1789309). Invitae Evidence Modeling of protein sequence and biophysical properties (such as structural, functional, and spatial information, amino acid conservation, physicochemical variation, residue mobility, and thermodynamic stability) indicates that this missense variant is not expected to disrupt LZTR1 protein function with a negative predictive value of 80%. In summary, the available evidence is currently insufficient to determine the role of this variant in disease. Therefore, it has been classified as a Variant of Uncertain Significance.

NM_006767.4(LZTR1):c.2302G>A (p.Val768Met)

Gene: LZTR1 (leucine zipper like post translational regulator 1; plus strand). Cytogenetic location: 22q11.21.
Variant type: single nucleotide variant.
Coding change: c.2302G>A on transcript NM_006767.4 (MANE Select); coding-DNA position 2302, G replaced by A.
Protein change: p.Val768Met; replaces valine 768 with methionine.
Molecular consequence: missense variant.
Genome position (GRCh38, 1-based): chr22:20,996,778, G>A. VCF-style: chr22-20996778-G-A. GRCh37 (hg19) VCF-style: chr22-21351067-G-A.
Other names: short protein forms V768M.
Identifiers: ClinVar variation 1789309 (VCV001789309.8), dbSNP rs2518625787, ClinGen allele CA410780903.